The following is an entry in ClinVar:

NM_002693.3(POLG):c.1950-13G>C

Gene: POLG (DNA polymerase gamma, catalytic subunit; minus strand). Cytogenetic location: 15q26.1.
Variant type: single nucleotide variant.
Coding change: c.1950-13G>C on transcript NM_002693.3 (MANE Select); 13 bases into the intron before coding-DNA position 1950, G replaced by C.
Molecular consequence: intron variant.
Genome position (GRCh38, 1-based): chr15:89,324,240, C>G on the plus strand (G>C on the coding strand, the complement: POLG is on the minus strand). VCF-style: chr15-89324240-C-G. GRCh37 (hg19) VCF-style: chr15-89867471-C-G.
Other names: c.1950-13G>C (NM_001126131.2).
Identifiers: ClinVar variation 384292 (VCV000384292.9), dbSNP rs577747971, ClinGen allele CA7724638.

ClinVar aggregate classification (germline): Likely benign. Review status: criteria provided, multiple submitters, no conflicts (2 of 4 stars). 2 submissions from 2 submitters: Likely benign (2). Last evaluated 2026-01-12.

Conditions:
Progressive sclerosing poliodystrophy (MTDPS4A). Also called: ALPERS PROGRESSIVE INFANTILE POLIODYSTROPHY; NEURONAL DEGENERATION OF CHILDHOOD WITH LIVER DISEASE, PROGRESSIVE; Alpers-Huttenlocher Syndrome (AHS); Alpers Syndrome; Mitochondrial DNA Depletion Syndrome 4A; ALPERS DIFFUSE DEGENERATION OF CEREBRAL GRAY MATTER WITH HEPATIC CIRRHOSIS. Identifiers: Orphanet 726, MedGen C0205710, MONDO:0008758, OMIM 203700.

Allele frequency attached by ClinVar (database versions not stated): gnomAD below 0.00001 and 0.00005; ExAC 0.00016; 1000 Genomes Project 30x 0.00078; 1000 Genomes Project 0.00100.
gnomAD v4.1: 79 of 1,610,616 alleles (0.0049%); highest among the groups gnomAD compares: South Asian, 0.081%; no homozygotes.

Submissions (2):

Labcorp Genetics (formerly Invitae), Labcorp
Classification: Likely benign for Progressive sclerosing poliodystrophy. Last evaluated: 2026-01-12. Review status: criteria provided, single submitter. Criteria: Invitae Variant Classification Sherloc (09022015). Collection method: clinical testing. Allele origin: germline.

GeneDx
Classification: Likely benign. Last evaluated: 2017-11-14. Review status: criteria provided, single submitter. Criteria: GeneDx Variant Classification (06012015). Collection method: clinical testing. Allele origin: germline. Affected: yes.
Comment: This variant is considered likely benign or benign based on one or more of the following criteria: it is a conservative change, it occurs at a poorly conserved position in the protein, it is predicted to be benign by multiple in silico algorithms, and/or has population frequency not consistent with disease.